The following is an entry in ClinVar:

ClinVar aggregate classification (germline): Uncertain significance. Review status: criteria provided, multiple submitters, no conflicts (2 of 4 stars). 3 submissions from 3 submitters: Uncertain significance (3). Last evaluated 2025-11-10.

Conditions:
Neurodevelopmental disorder with hypotonia, neuropathy, and deafness (NEDHND). Also called: Myopathy, congenital, with neuropathy and deafness; SPTBN4 Disorder. Identifiers: MedGen C4479603, MONDO:0060496, OMIM 617519.
Inborn genetic diseases. Identifiers: MedGen C0950123, MeSH D030342.

Allele frequency attached by ClinVar (database versions not stated): gnomAD 0.00001; TOPMed 0.00002.
gnomAD v4.1: 5 of 1,613,744 alleles (0.00031%); highest among the groups gnomAD compares: Admixed American, 0.0033%; no homozygotes.

Submissions (3):

Women's Health and Genetics/Laboratory Corporation of America, LabCorp
Classification: Uncertain significance. Last evaluated: 2025-11-10. Review status: criteria provided, single submitter. Criteria: LabCorp Variant Classification Summary - May 2015. Collection method: clinical testing. Allele origin: germline.
Comment: Variant summary: SPTBN4 c.758G>C (p.Gly253Ala) results in a non-conservative amino acid change in the encoded protein sequence. Algorithms developed to predict the effect of missense changes on protein structure and function all suggest that this variant is likely to be disruptive. The variant was absent in 251028 control chromosomes. The available data on variant occurrences in the general population are insufficient to allow any conclusion about variant significance. To our knowledge, no occurrence of c.758G>C in individuals affected with SPTBN4-related conditions and no experimental evidence demonstrating its impact on protein function have been reported. ClinVar contains an entry for this variant (Variation ID: 1325614). Based on the evidence outlined above, the variant was classified as uncertain significance.

Ambry Genetics
Classification: Uncertain significance for Inborn genetic diseases. Last evaluated: 2025-05-25. Review status: criteria provided, single submitter. Criteria: Ambry Variant Classification Scheme 2023. Collection method: clinical testing. Allele origin: germline.

New York Genome Center
Classification: Uncertain significance for Neurodevelopmental disorder with hypotonia, neuropathy, and deafness. Last evaluated: 2020-05-08. Review status: criteria provided, single submitter. Criteria: NYGC Assertion Criteria 2020. Collection method: clinical testing. Allele origin: germline. Observed: 1 heterozygote. Study: CSER-NYCKidSeq.

NM_020971.3(SPTBN4):c.758G>C (p.Gly253Ala)

Gene: SPTBN4 (spectrin beta, non-erythrocytic 4; plus strand). Cytogenetic location: 19q13.2.
Variant type: single nucleotide variant.
Coding change: c.758G>C on transcript NM_020971.3 (MANE Select); coding-DNA position 758, G replaced by C.
Protein change: p.Gly253Ala; replaces glycine 253 with alanine.
Molecular consequence: missense variant.
Genome position (GRCh38, 1-based): chr19:40,497,578, G>C. VCF-style: chr19-40497578-G-C. GRCh37 (hg19) VCF-style: chr19-41003485-G-C.
Other names: short protein forms G253A.
Identifiers: ClinVar variation 1325614 (VCV001325614.3), dbSNP rs1568776196, ClinGen allele CA405901638.